The following is an entry in ClinVar:

NM_000282.4(PCCA):c.1540G>A (p.Gly514Arg)

Gene: PCCA (propionyl-CoA carboxylase subunit alpha; plus strand). Cytogenetic location: 13q32.3.
Variant type: single nucleotide variant.
Coding change: c.1540G>A on transcript NM_000282.4 (MANE Select); coding-DNA position 1540, G replaced by A.
Protein change: p.Gly514Arg; replaces glycine 514 with arginine.
Molecular consequence: missense variant. On other transcripts: non-coding transcript variant (5).
Genome position (GRCh38, 1-based): chr13:100,330,671, G>A. VCF-style: chr13-100330671-G-A. GRCh37 (hg19) VCF-style: chr13-100982925-G-A.
Other names: c.1462G>A, p.Gly488Arg (NM_001127692.3, NM_001352607.2); c.1540G>A, p.Gly514Arg (NM_001178004.2, NM_001352605.2, NM_001352609.2); c.1396G>A, p.Gly466Arg (NM_001352606.2); c.1318G>A, p.Gly440Arg (NM_001352608.2); c.595G>A, p.Gly199Arg (NM_001352610.2, NM_001352611.2); c.451G>A, p.Gly151Arg (NM_001352612.2); short protein forms G151R, G199R, G440R, G466R, G488R, G514R.
Identifiers: ClinVar variation 4688575 (VCV004688575.1).

ClinVar aggregate classification (germline): Uncertain significance (1 of 4 stars; one submission).

Submission:

Women's Health and Genetics/Laboratory Corporation of America, LabCorp
Classification: Uncertain significance. Last evaluated: 2025-12-04. Review status: criteria provided, single submitter. Criteria: LabCorp Variant Classification Summary - May 2015. Collection method: clinical testing. Allele origin: germline.
Comment: Variant summary: PCCA c.1540G>A (p.Gly514Arg) results in a non-conservative amino acid change in the encoded protein sequence. Algorithms developed to predict the effect of missense changes on protein structure and function all suggest that this variant is likely to be disruptive. Several computational tools predict a significant impact on normal splicing: Two predict the variant abolishes a 5' splicing donor site. One predict the variant weakens a 5' donor site. However, these predictions have yet to be confirmed by functional studies. The variant was absent in 250756 control chromosomes. The available data on variant occurrences in the general population are insufficient to allow any conclusion about variant significance. To our knowledge, no occurrence of c.1540G>A in individuals affected with PCCA-related conditions and no experimental evidence demonstrating its impact on protein function have been reported. No submitters have cited clinical-significance assessments for this variant to ClinVar. Based on the evidence outlined above, the variant was classified as uncertain significance.